The following is an entry in ClinVar:

NM_000285.4(PEPD):c.393G>A (p.Glu131=)

Gene: PEPD (peptidase D; minus strand). Cytogenetic location: 19q13.11.
Variant type: single nucleotide variant.
Coding change: c.393G>A on transcript NM_000285.4 (MANE Select); coding-DNA position 393, G replaced by A.
Protein change: p.Glu131=; no amino-acid change (glutamic acid 131 retained).
Molecular consequence: synonymous variant. On other transcripts: intron variant (1).
Genome position (GRCh38, 1-based): chr19:33,500,938, C>T on the plus strand (G>A on the coding strand, the complement: PEPD is on the minus strand). VCF-style: chr19-33500938-C-T. GRCh37 (hg19) VCF-style: chr19-33991844-C-T.
Other names: c.393G>A, p.Glu131= (NM_001166056.2); c.202-7601G>A (NM_001166057.2).
Identifiers: ClinVar variation 891671 (VCV000891671.5), dbSNP rs771409768, ClinGen allele CA307557799.

ClinVar aggregate classification (germline): Uncertain significance. Review status: criteria provided, multiple submitters, no conflicts (2 of 4 stars). 2 submissions from 2 submitters: Uncertain significance (2). Last evaluated 2022-03-11.

Conditions:
Prolidase deficiency. Identifiers: Orphanet 742, MedGen C0268532, MONDO:0008221, OMIM 170100.

Allele frequency attached by ClinVar (database versions not stated): gnomAD 0.00001.

Submissions (2):

Labcorp Genetics (formerly Invitae), Labcorp
Classification: Uncertain significance. Last evaluated: 2022-03-11. Review status: criteria provided, single submitter. Criteria: Invitae Variant Classification Sherloc (09022015). Collection method: clinical testing. Allele origin: germline.
Comment: This sequence change affects codon 131 of the PEPD mRNA. It is a 'silent' change, meaning that it does not change the encoded amino acid sequence of the PEPD protein. This variant also falls at the last nucleotide of exon 4, which is part of the consensus splice site for this exon. This variant is not present in population databases (gnomAD no frequency). This variant has not been reported in the literature in individuals affected with PEPD-related conditions. ClinVar contains an entry for this variant (Variation ID: 891671). Variants that disrupt the consensus splice site are a relatively common cause of aberrant splicing (PMID: 17576681, 9536098). Algorithms developed to predict the effect of sequence changes on RNA splicing suggest that this variant may disrupt the consensus splice site. In summary, the available evidence is currently insufficient to determine the role of this variant in disease. Therefore, it has been classified as a Variant of Uncertain Significance.

Illumina Laboratory Services, Illumina
Classification: Uncertain significance for Prolidase deficiency. Last evaluated: 2017-04-28. Review status: criteria provided, single submitter. Criteria: ICSL Variant Classification Criteria 13 December 2019. Collection method: clinical testing. Allele origin: germline.

Literature cited by the submitters: PubMed 17576681 (cited by Labcorp Genetics (formerly Invitae), Labcorp); PubMed 9536098 (cited by Labcorp Genetics (formerly Invitae), Labcorp).